The following is an entry in ClinVar:

ClinVar aggregate classification (germline): Uncertain significance. Review status: criteria provided, multiple submitters, no conflicts (2 of 4 stars). 10 submissions from 9 submitters: Uncertain significance (9). 1 of the submissions does not count toward it. Last evaluated 2025-07-09.

Conditions:
Hereditary cancer-predisposing syndrome. Also called: Tumor predisposition; Hereditary Cancer Syndrome; Neoplastic Syndromes, Hereditary; Hereditary neoplastic syndrome. Identifiers: Orphanet 140162, MedGen C0027672, MeSH D009386, MONDO:0015356.
Familial cancer of breast. Also called: BREAST CANCER, FAMILIAL; hereditary breast carcinoma; Hereditary breast cancer. Identifiers: Orphanet 227535, MedGen C0346153, MONDO:0016419, OMIM 114480. Disease mechanism: loss of function.
Hereditary breast ovarian cancer syndrome. Also called: Breast and ovarian cancer; Hereditary breast and ovarian cancer; Hereditary breast and ovarian cancer syndrome; BRCA1- and BRCA2-Associated Hereditary Breast and Ovarian Cancer; Hereditary breast and ovarian cancer syndrome (HBOC); Hereditary breast and/or ovarian cancer syndrome. Identifiers: Orphanet 145, MedGen C0677776, MeSH D061325, MONDO:0003582. Disease mechanism: loss of function.
Fanconi anemia complementation group D1. Also called: BRCA2-Related Fanconi Anemia. Identifiers: Orphanet 319462, MedGen C1838457, MONDO:0011584, OMIM 605724.
Breast-ovarian cancer, familial, susceptibility to, 2 (BROVCA2). Also called: BRCA2 Hereditary Breast and Ovarian Cancer. Identifiers: Orphanet 145, MedGen C2675520, MONDO:0012933, OMIM 612555. Disease mechanism: loss of function.

gnomAD v4.1: 1 of 1,594,182 alleles (0.000063%); highest among the groups gnomAD compares: Non-Finnish European, 0.000086%; no homozygotes.

Submissions (10):

Labcorp Genetics (formerly Invitae), Labcorp
Classification: Uncertain significance for Hereditary breast ovarian cancer syndrome. Last evaluated: 2025-07-09. Review status: criteria provided, single submitter. Criteria: Invitae Variant Classification Sherloc (09022015). Collection method: clinical testing. Allele origin: germline.
Comment: This sequence change replaces alanine, which is neutral and non-polar, with threonine, which is neutral and polar, at codon 227 of the BRCA2 protein (p.Ala227Thr). This variant is not present in population databases (gnomAD no frequency). This variant has not been reported in the literature in individuals affected with BRCA2-related conditions. ClinVar contains an entry for this variant (Variation ID: 91455). Based on a multifactorial likelihood algorithm using genetic, in silico, and/or statistical data, this variant has been determined to have a low probability of being pathogenic (PMID: 31131967). In summary, the available evidence is currently insufficient to determine the role of this variant in disease. Therefore, it has been classified as a Variant of Uncertain Significance.

Ambry Genetics
Classification: Uncertain significance for Hereditary cancer-predisposing syndrome. Last evaluated: 2025-05-05. Review status: criteria provided, single submitter. Criteria: Ambry Variant Classification Scheme 2023. Collection method: clinical testing. Allele origin: germline.
Comment: The p.A227T variant (also known as c.679G>A), located in coding exon 7 of the BRCA2 gene, results from a G to A substitution at nucleotide position 679. The alanine at codon 227 is replaced by threonine, an amino acid with similar properties. This amino acid position is not well conserved in available vertebrate species. In addition, this alteration is predicted to be tolerated by in silico analysis. Based on the available evidence, the clinical significance of this variant remains unclear.

Women's Health and Genetics/Laboratory Corporation of America, LabCorp
Classification: Uncertain significance. Last evaluated: 2025-01-09. Review status: criteria provided, single submitter. Criteria: LabCorp Variant Classification Summary - May 2015. Collection method: clinical testing. Allele origin: germline.
Comment: Variant summary: BRCA2 c.679G>A (p.Ala227Thr) results in a non-conservative amino acid change in the encoded protein sequence. Four of five in-silico tools predict a benign effect of the variant on protein function. The frequency data for this variant in gnomAD is considered unreliable, as metrics indicate poor data quality at this position. To our knowledge, no occurrence of c.679G>A in individuals affected with Hereditary Breast And Ovarian Cancer Syndrome and no experimental evidence demonstrating its impact on protein function have been reported. ClinVar contains an entry for this variant (Variation ID: 91455). Based on the evidence outlined above, the variant was classified as uncertain significance.

Baylor Genetics
Classification: Uncertain significance for Familial cancer of breast. Last evaluated: 2024-02-26. Review status: criteria provided, single submitter. Criteria: ACMG Guidelines, 2015. Collection method: clinical testing. Allele origin: unknown.

All of Us Research Program, National Institutes of Health
Classification: Uncertain significance for Breast-ovarian cancer, familial, susceptibility to, 2. Last evaluated: 2023-12-13. Review status: criteria provided, single submitter. Criteria: ACMG Guidelines, 2015. Collection method: clinical testing. Allele origin: germline. Inheritance: Autosomal dominant inheritance. Observed: 1 variant allele, 1 heterozygote.
Comment: This missense variant replaces alanine with threonine at codon 227 of the BRCA2 protein. Computational prediction suggests that this variant may not impact protein structure and function (internally defined REVEL score threshold <= 0.5, PMID: 27666373). To our knowledge, functional studies have not been reported for this variant. This variant has been reported in a multifactorial analysis as likely benign, based in part to co-occurrence and family history likelihood ratios (PMID: 31131967). This variant has not been identified in the general population by the Genome Aggregation Database (gnomAD). The available evidence is insufficient to determine the role of this variant in disease conclusively. Therefore, this variant is classified as a Variant of Uncertain Significance.

This study involves interpretation of variants in research participants for the purpose of population health screening. Participant phenotype was not available at the time of variant classification. Additional details can be found in publication PMID: 35346344, PMCID: PMC8962531

Color Diagnostics, LLC DBA Color Health
Classification: Uncertain significance for Hereditary cancer-predisposing syndrome. Last evaluated: 2023-11-16. Review status: criteria provided, single submitter. Criteria: ACMG Guidelines, 2015. Collection method: clinical testing. Allele origin: germline.
Comment: This missense variant replaces alanine with threonine at codon 227 of the BRCA2 protein. Computational prediction suggests that this variant may not impact protein structure and function (internally defined REVEL score threshold <= 0.5, PMID: 27666373). To our knowledge, functional studies have not been reported for this variant. This variant has been reported in a multifactorial analysis as likely benign, based in part to co-occurrence and family history likelihood ratios (PMID: 31131967). This variant has not been identified in the general population by the Genome Aggregation Database (gnomAD). The available evidence is insufficient to determine the role of this variant in disease conclusively. Therefore, this variant is classified as a Variant of Uncertain Significance.

Quest Diagnostics Nichols Institute San Juan Capistrano
Classification: Uncertain significance. Last evaluated: 2018-07-06. Review status: criteria provided, single submitter. Criteria: Quest Diagnostics criteria. Collection method: clinical testing. Allele origin: germline.

Illumina Laboratory Services, Illumina
Classification: Uncertain significance for Breast-ovarian cancer, familial, susceptibility to, 2. Last evaluated: 2018-01-13. Review status: criteria provided, single submitter. Criteria: ICSL Variant Classification Criteria 13 December 2019. Collection method: clinical testing. Allele origin: germline.

Illumina Laboratory Services, Illumina
Classification: Uncertain significance for Fanconi anemia complementation group D1. Last evaluated: 2018-01-13. Review status: criteria provided, single submitter. Criteria: ICSL Variant Classification Criteria 13 December 2019. Collection method: clinical testing. Allele origin: germline.

Sharing Clinical Reports Project (SCRP)
Classification: Uncertain significance for Breast-ovarian cancer, familial 2. Last evaluated: 2006-11-17. Review status: no assertion criteria provided. Collection method: clinical testing. Allele origin: germline. Not counted in ClinVar's aggregate classification.

Literature cited by the submitters: PubMed 31131967 (cited by 3 submitters).

NM_000059.4(BRCA2):c.679G>A (p.Ala227Thr)

Gene: BRCA2 (BRCA2 DNA repair associated; plus strand). Cytogenetic location: 13q13.1.
Variant type: single nucleotide variant.
Coding change: c.679G>A on transcript NM_000059.4 (MANE Select); coding-DNA position 679, G replaced by A.
Protein change: p.Ala227Thr; replaces alanine 227 with threonine.
Molecular consequence: missense variant.
Genome position (GRCh38, 1-based): chr13:32,329,490, G>A. VCF-style: chr13-32329490-G-A. GRCh37 (hg19) VCF-style: chr13-32903627-G-A.
Other names: short protein forms A227T.
Identifiers: ClinVar variation 91455 (VCV000091455.36), dbSNP rs398122563, ClinGen allele CA024411.